The following is an entry in ClinVar:

NM_007294.4(BRCA1):c.3888_3889del (p.Ser1297fs)

Genes: BRCA1 (BRCA1 DNA repair associated; minus strand), LOC126862571 (BRD4-independent group 4 enhancer GRCh37_chr17:41243136-41244335; plus strand). Cytogenetic location: 17q21.31.
Variant type: Deletion.
Coding change: c.3888_3889del on transcript NM_007294.4 (MANE Select); coding-DNA positions 3888 to 3889, 2 bases deleted (TT; older notation c.3888_3889delTT).
Protein change: p.Ser1297fs; shifts the reading frame from serine 1297.
Molecular consequence: frameshift variant. On other transcripts: intron variant (135).
Genome position (GRCh38, 1-based): chr17:43,091,642-43,091,643, AA deleted on the plus strand (TT on the coding strand, the reverse complement: BRCA1 is on the minus strand); deleting any 2 consecutive bases within chr17:43,091,642-43,091,645 gives the same sequence; the c. name uses the placement nearest the transcript's 3' end. VCF-style (leftmost placement, unchanged base first): chr17-43091641-GAA-G. GRCh37 (hg19) VCF-style: chr17-41243658-GAA-G.
Other names: c.3888_3889delTT (NM_007294.3); c.3675_3676del, p.Ser1226fs (NM_001407571.1, NM_001407853.1, NM_001407894.1 and 9 more transcripts); c.3888_3889del, p.Ser1297fs (NM_001407581.1, NM_001407582.1, NM_001407583.1 and 30 more transcripts); c.3885_3886del, p.Ser1296fs (NM_001407587.1, NM_001407590.1, NM_001407591.1 and 22 more transcripts); c.3879_3880del, p.Ser1294fs (NM_001407646.1, NM_001407647.1); c.3765_3766del, p.Ser1256fs (NM_001407648.1, NM_001407664.1, NM_001407665.1 and 19 more transcripts); c.3762_3763del, p.Ser1255fs (NM_001407649.1, NM_001407670.1, NM_001407671.1 and 11 more transcripts); c.3810_3811del, p.Ser1271fs (NM_001407653.1, NM_001407654.1, NM_001407655.1 and 4 more transcripts); and 42 more; short protein forms S1250fs, S1297fs, S1169fs, S1185fs, S1230fs, S1249fs, S1001fs, S1129fs.
Identifiers: ClinVar variation 1692967 (VCV001692967.8), dbSNP rs886038027, ClinGen allele CA2573154033.

ClinVar aggregate classification (germline): Pathogenic/Likely pathogenic. Review status: criteria provided, multiple submitters, no conflicts (2 of 4 stars). 3 submissions from 3 submitters: Pathogenic (2); Likely pathogenic (1). Last evaluated 2023-07-07.

Conditions:
Hereditary breast ovarian cancer syndrome. Also called: Hereditary breast and ovarian cancer syndrome; Breast and ovarian cancer; Hereditary breast and ovarian cancer; Hereditary breast and/or ovarian cancer syndrome; Hereditary breast and ovarian cancer syndrome (HBOC); BRCA1- and BRCA2-Associated Hereditary Breast and Ovarian Cancer. Identifiers: Orphanet 145, MedGen C0677776, MeSH D061325, MONDO:0003582. Disease mechanism: loss of function.
Hereditary cancer-predisposing syndrome. Also called: Hereditary neoplastic syndrome; Tumor predisposition; Neoplastic Syndromes, Hereditary; Hereditary Cancer Syndrome. Identifiers: Orphanet 140162, MedGen C0027672, MeSH D009386, MONDO:0015356.

Submissions (3):

Ambry Genetics
Classification: Pathogenic for Hereditary cancer-predisposing syndrome. Last evaluated: 2023-07-07. Review status: criteria provided, single submitter. Criteria: Ambry Variant Classification Scheme 2023. Collection method: clinical testing. Allele origin: germline.
Comment: The c.3888_3889delTT pathogenic mutation, located in coding exon 9 of the BRCA1 gene, results from a deletion of two nucleotides at nucleotide positions 3888 to 3889, causing a translational frameshift with a predicted alternate stop codon (p.S1297Ffs*5). This variant is considered to be rare based on population cohorts in the Genome Aggregation Database (gnomAD). This alteration is expected to result in loss of function by premature protein truncation or nonsense-mediated mRNA decay. As such, this alteration is interpreted as a disease-causing mutation.

Sema4
Classification: Likely pathogenic for Hereditary cancer-predisposing syndrome. Last evaluated: 2022-01-06. Review status: criteria provided, single submitter. Criteria: Sema4 Curation Guidelines. Collection method: curation. Allele origin: germline.
Comment: To the best of our knowledge, the BRCA1 c.3888_3889delTT (p.S1297FfsX5) variant has not been reported in individuals with BRCA1-related disease. This variant causes a frameshift at amino acid 1297 that results in premature termination 5 amino acids downstream. At this location, this variant is predicted to cause loss of normal protein function either through protein truncation or nonsense-mediated mRNA decay. Loss of function of the BRCA1 gene is an established disease mechanism in HBOC (PMID: 29446198). This variant is not reported in the population database Genome Aggregation Database (PMID: 32461654), nor has it been reported in ClinVar. Based on the current evidence available, this variant is interpreted as likely pathogenic.

Labcorp Genetics (formerly Invitae), Labcorp
Classification: Pathogenic for Hereditary breast ovarian cancer syndrome. Last evaluated: 2022-01-05. Review status: criteria provided, single submitter. Criteria: Invitae Variant Classification Sherloc (09022015). Collection method: clinical testing. Allele origin: germline.
Comment: This variant is not present in population databases (gnomAD no frequency). For these reasons, this variant has been classified as Pathogenic. This variant has not been reported in the literature in individuals affected with BRCA1-related conditions. This sequence change creates a premature translational stop signal (p.Ser1297Phefs*5) in the BRCA1 gene. It is expected to result in an absent or disrupted protein product. Loss-of-function variants in BRCA1 are known to be pathogenic (PMID: 20104584).

Literature cited by the submitters: PubMed 29446198 (cited by Sema4); PubMed 20104584 (cited by Labcorp Genetics (formerly Invitae), Labcorp).